The following is an entry in ClinVar:

NM_003590.5(CUL3):c.1450A>G (p.Met484Val)

Gene: CUL3 (cullin 3; minus strand). Cytogenetic location: 2q36.2.
Variant type: single nucleotide variant.
Coding change: c.1450A>G on transcript NM_003590.5 (MANE Select); coding-DNA position 1450, A replaced by G.
Protein change: p.Met484Val; replaces methionine 484 with valine.
Molecular consequence: missense variant.
Genome position (GRCh38, 1-based): chr2:224,503,000, T>C on the plus strand (A>G on the coding strand, the complement: CUL3 is on the minus strand). VCF-style: chr2-224503000-T-C. GRCh37 (hg19) VCF-style: chr2-225367717-T-C.
Other names: c.1252A>G, p.Met418Val (NM_001257197.2); c.1468A>G, p.Met490Val (NM_001257198.2); short protein forms M418V, M484V, M490V.
Identifiers: ClinVar variation 2698683 (VCV002698683.3), dbSNP rs1692450392, ClinGen allele CA350826690.

ClinVar aggregate classification (germline): Uncertain significance (1 of 4 stars; one submission).

Submission:

Labcorp Genetics (formerly Invitae), Labcorp
Classification: Uncertain significance. Last evaluated: 2023-11-24. Review status: criteria provided, single submitter. Criteria: Invitae Variant Classification Sherloc (09022015). Collection method: clinical testing. Allele origin: germline.
Comment: This sequence change replaces methionine, which is neutral and non-polar, with valine, which is neutral and non-polar, at codon 484 of the CUL3 protein (p.Met484Val). This variant is not present in population databases (gnomAD no frequency). This variant has not been reported in the literature in individuals affected with CUL3-related conditions. Advanced modeling of protein sequence and biophysical properties (such as structural, functional, and spatial information, amino acid conservation, physicochemical variation, residue mobility, and thermodynamic stability) has been performed at Invitae for this missense variant, however the output from this modeling did not meet the statistical confidence thresholds required to predict the impact of this variant on CUL3 protein function. In summary, the available evidence is currently insufficient to determine the role of this variant in disease. Therefore, it has been classified as a Variant of Uncertain Significance.